The following is an entry in ClinVar:

NM_001037333.3(CYFIP2):c.2019C>T (p.Ser673=)

Gene: CYFIP2 (cytoplasmic FMR1 interacting protein 2; plus strand). Cytogenetic location: 5q33.3.
Variant type: single nucleotide variant.
Coding change: c.2019C>T on transcript NM_001037333.3 (MANE Select); coding-DNA position 2019, C replaced by T.
Protein change: p.Ser673=; no amino-acid change (serine 673 retained).
Molecular consequence: synonymous variant.
Genome position (GRCh38, 1-based): chr5:157,326,207, C>T. VCF-style: chr5-157326207-C-T. GRCh37 (hg19) VCF-style: chr5-156753215-C-T.
Other names: c.1941C>T, p.Ser647= (NM_001291721.2); c.2094C>T, p.Ser698= (NM_001291722.2); c.2019C>T, p.Ser673= (NM_014376.4); c.2094C>T (NM_001291722.1).
Identifiers: ClinVar variation 871621 (VCV000871621.47), dbSNP rs372517333, ClinGen allele CA3533737.

ClinVar aggregate classification (germline): Likely benign. Review status: criteria provided, multiple submitters, no conflicts (2 of 4 stars). 3 submissions from 3 submitters: Likely benign (2). 1 of the submissions does not count toward it. Last evaluated 2025-05-26.

Conditions:
CYFIP2-related disorder. Also called: CYFIP2-related condition.

Allele frequency attached by ClinVar (database versions not stated): gnomAD 0.00003; gnomAD exomes 0.00003 and 0.00004; TOPMed 0.00003; ExAC 0.00006; ESP Exome Variant Server 0.00033.
gnomAD v4.1: 60 of 1,613,828 alleles (0.0037%); highest among the groups gnomAD compares: Non-Finnish European, 0.0047%; no homozygotes.

Submissions (3):

Labcorp Genetics (formerly Invitae), Labcorp
Classification: Likely benign. Last evaluated: 2025-05-26. Review status: criteria provided, single submitter. Criteria: Invitae Variant Classification Sherloc (09022015). Collection method: clinical testing. Allele origin: germline.

CeGaT Center for Human Genetics Tuebingen
Classification: Likely benign. Last evaluated: 2022-04-01. Review status: criteria provided, single submitter. Criteria: CeGaT Center For Human Genetics Tuebingen Variant Classification Criteria Version 2. Collection method: clinical testing. Allele origin: germline. Affected: yes. Observed: 2 variant alleles.
Comment: CYFIP2: BP4, BP7

PreventionGenetics, part of Exact Sciences
Classification: Likely benign for CYFIP2-related condition. Last evaluated: 2024-06-03. Review status: no assertion criteria provided. Collection method: clinical testing. Allele origin: germline. Not counted in ClinVar's aggregate classification.
Comment: This variant is classified as likely benign based on ACMG/AMP sequence variant interpretation guidelines (Richards et al. 2015 PMID: 25741868, with internal and published modifications).